The following is an entry in ClinVar:

ClinVar aggregate classification (germline): Likely benign (1 of 4 stars; one submission).

gnomAD v4.1: 9 of 1,613,852 alleles (0.00056%); highest among the groups gnomAD compares: Non-Finnish European, 0.00076%; no homozygotes.

Submission:

CeGaT Center for Human Genetics Tuebingen
Classification: Likely benign. Last evaluated: 2025-11-01. Review status: criteria provided, single submitter. Criteria: CeGaT Center For Human Genetics Tuebingen Variant Classification Criteria Version 2. Collection method: clinical testing. Allele origin: germline. Affected: yes. Observed: 1 variant allele.
Comment: TNR: BP4, BP7

NM_003285.3(TNR):c.825A>G (p.Arg275=)

Gene: TNR (tenascin R; minus strand). Cytogenetic location: 1q25.1.
Variant type: single nucleotide variant.
Coding change: c.825A>G on transcript NM_003285.3 (MANE Select); coding-DNA position 825, A replaced by G.
Protein change: p.Arg275=; no amino-acid change (arginine 275 retained).
Molecular consequence: synonymous variant. On other transcripts: 5 prime UTR variant (1).
Genome position (GRCh38, 1-based): chr1:175,403,291, T>C on the plus strand (A>G on the coding strand, the complement: TNR is on the minus strand). VCF-style: chr1-175403291-T-C. GRCh37 (hg19) VCF-style: chr1-175372427-T-C.
Other names: c.-71A>G (NM_001328635.2).
Identifiers: ClinVar variation 4535220 (VCV004535220.6).